The following is an entry in ClinVar:

NC_000004.11:g.(?_264888)_(682916_?)dup

Genes: PIGG (phosphatidylinositol glycan anchor biosynthesis class G (EMM blood group); plus strand), SLC49A3 (solute carrier family 49 member 3; minus strand), ATP5ME (ATP synthase membrane subunit e; minus strand), MYL5 (myosin light chain 5; plus strand), PDE6B (phosphodiesterase 6B; plus strand) and 3 more. Cytogenetic location: 4p16.3.
Variant type: Duplication.
Identifiers: ClinVar variation 1056004 (VCV001056004.1).

ClinVar aggregate classification (germline): Uncertain significance (1 of 4 stars; one submission).

Submission:

Labcorp Genetics (formerly Invitae), Labcorp
Classification: Uncertain significance. Last evaluated: 2020-07-29. Review status: criteria provided, single submitter. Criteria: Invitae Variant Classification Sherloc (09022015). Collection method: clinical testing. Allele origin: germline.
Comment: This variant results in a copy number gain of the genomic region encompassing the full coding sequence of the PDE6B gene. The boundaries of this event are unknown as they extend beyond the assayed region for this gene and therefore may encompass additional genes. As the precise location of this event is unknown, it may be in tandem or it may be located elsewhere in the genome. This variant has not been reported in the literature in individuals with PDE6B-related conditions. In summary, the available evidence is currently insufficient to determine the role of this variant in disease. Therefore, it has been classified as a Variant of Uncertain Significance.